The following is an entry in ClinVar:

ClinVar aggregate classification (germline): Pathogenic. Review status: criteria provided, multiple submitters, no conflicts (2 of 4 stars). 4 submissions from 4 submitters: Pathogenic (3). 1 of the submissions does not count toward it. Last evaluated 2024-10-15.

Conditions:
Maple syrup urine disease type 1A (MSUD1A). Also called: MSUD type 1A. Identifiers: MedGen C1855369, MONDO:0023691, OMIM 248600.
Maple syrup urine disease (MSUD). Identifiers: Orphanet 511, MedGen C0024776, MeSH D008375, MONDO:0009563. Disease mechanism: loss of function.

Submissions (4):

Labcorp Genetics (formerly Invitae), Labcorp
Classification: Pathogenic for Maple syrup urine disease. Last evaluated: 2024-10-15. Review status: criteria provided, single submitter. Criteria: Invitae Variant Classification Sherloc (09022015). Collection method: clinical testing. Allele origin: germline.
Comment: This sequence change creates a premature translational stop signal (p.Tyr42*) in the DBT gene. It is expected to result in an absent or disrupted protein product. Loss-of-function variants in DBT are known to be pathogenic (PMID: 16579849, 16786533). This variant is not present in population databases (gnomAD no frequency). This variant has not been reported in the literature in individuals affected with DBT-related conditions. ClinVar contains an entry for this variant (Variation ID: 195157). Algorithms developed to predict the effect of sequence changes on RNA splicing suggest that this variant may create or strengthen a splice site. For these reasons, this variant has been classified as Pathogenic.

Genome-Nilou Lab
Classification: Pathogenic for Maple syrup urine disease type 1A. Last evaluated: 2021-11-07. Review status: criteria provided, single submitter. Criteria: ACMG Guidelines, 2015. Collection method: clinical testing. Allele origin: germline. Affected: no.

Eurofins Ntd Llc (ga)
Classification: Pathogenic. Last evaluated: 2014-08-26. Review status: criteria provided, single submitter. Criteria: EGL Classification Definitions 2015. Collection method: clinical testing. Allele origin: germline. Observed: 1 variant allele, 1 heterozygote.

Counsyl
Classification: Likely pathogenic for Maple syrup urine disease type 1A. Last evaluated: 2018-05-30. Review status: no assertion criteria provided. Collection method: clinical testing. Allele origin: unknown. Not counted in ClinVar's aggregate classification.

Literature cited by the submitters: PubMed 16579849 (cited by Labcorp Genetics (formerly Invitae), Labcorp); PubMed 16786533 (cited by Labcorp Genetics (formerly Invitae), Labcorp).

NM_001918.5(DBT):c.126T>G (p.Tyr42Ter)

Gene: DBT (dihydrolipoamide branched chain transacylase E2; minus strand). Cytogenetic location: 1p21.2.
Variant type: single nucleotide variant.
Coding change: c.126T>G on transcript NM_001918.5 (MANE Select); coding-DNA position 126, T replaced by G.
Protein change: p.Tyr42Ter; replaces tyrosine 42 with a stop codon.
Molecular consequence: nonsense.
Genome position (GRCh38, 1-based): chr1:100,240,810, A>C on the plus strand (T>G on the coding strand, the complement: DBT is on the minus strand). VCF-style: chr1-100240810-A-C. GRCh37 (hg19) VCF-style: chr1-100706366-A-C.
Other names: short protein forms Y42*.
Identifiers: ClinVar variation 195157 (VCV000195157.12), dbSNP rs794727262, ClinGen allele CA275073.